The following is an entry in ClinVar:

NM_001540.5(HSPB1):c.16G>A (p.Val6Ile)

Gene: HSPB1 (heat shock protein family B (small) member 1; plus strand). Cytogenetic location: 7q11.23.
Variant type: single nucleotide variant.
Coding change: c.16G>A on transcript NM_001540.5 (MANE Select); coding-DNA position 16, G replaced by A.
Protein change: p.Val6Ile; replaces valine 6 with isoleucine.
Molecular consequence: missense variant.
Genome position (GRCh38, 1-based): chr7:76,302,728, G>A. VCF-style: chr7-76302728-G-A. GRCh37 (hg19) VCF-style: chr7-75932045-G-A.
Other names: c.16G>A (LRG_248t1); short protein forms V6I.
Identifiers: ClinVar variation 410715 (VCV000410715.57), dbSNP rs1049324, ClinGen allele CA4306231.

ClinVar aggregate classification (germline): Likely benign. Review status: criteria provided, multiple submitters, no conflicts (2 of 4 stars). 5 submissions from 5 submitters: Likely benign (5). Last evaluated 2026-07-01.

Conditions:
HSPB1-related disorder. Also called: HSPB1-related condition; HSPB1-related disorders.
Inborn genetic diseases. Identifiers: MedGen C0950123, MeSH D030342.
Charcot-Marie-Tooth disease axonal type 2F (CMT2F). Also called: Charcot-Marie-Tooth Neuropathy Type 2F; CHARCOT-MARIE-TOOTH DISEASE, NEURONAL, TYPE 2F. Identifiers: Orphanet 99940, MedGen C1847823, MONDO:0011687, OMIM 606595.

Allele frequency attached by ClinVar (database versions not stated): ESP Exome Variant Server 0.00008; gnomAD 0.00011; TOPMed 0.00013; ExAC 0.00015.
gnomAD v4.1: 224 of 1,603,618 alleles (0.014%); highest among the groups gnomAD compares: Middle Eastern, 0.14%; no homozygotes.

Submissions (5):

CeGaT Center for Human Genetics Tuebingen
Classification: Likely benign. Last evaluated: 2026-07-01. Review status: criteria provided, single submitter. Criteria: CeGaT Center For Human Genetics Tuebingen Variant Classification Criteria Version 2. Collection method: clinical testing. Allele origin: germline. Affected: yes. Observed: 2 variant alleles.
Comment: HSPB1: BS1

Labcorp Genetics (formerly Invitae), Labcorp
Classification: Likely benign for Charcot-Marie-Tooth disease axonal type 2F. Last evaluated: 2025-11-03. Review status: criteria provided, single submitter. Criteria: Invitae Variant Classification Sherloc (09022015). Collection method: clinical testing. Allele origin: germline.

PreventionGenetics, part of Exact Sciences
Classification: Likely benign for HSPB1-related condition. Last evaluated: 2025-10-24. Review status: criteria provided, single submitter. Criteria: ACMG Guidelines, 2015. Collection method: clinical testing. Allele origin: germline.
Comment: This variant is classified as likely benign based on ACMG/AMP sequence variant interpretation guidelines (Richards et al. 2015 PMID: 25741868, with internal and published modifications).

Ambry Genetics
Classification: Likely benign for Inborn genetic diseases. Last evaluated: 2022-06-24. Review status: criteria provided, single submitter. Criteria: Ambry Variant Classification Scheme 2023. Collection method: clinical testing. Allele origin: germline.

Athena Diagnostics
Classification: Likely benign. Last evaluated: 2019-04-26. Review status: criteria provided, single submitter. Criteria: Athena Diagnostics Criteria. Collection method: clinical testing. Allele origin: germline.